The following is an entry in ClinVar:

ClinVar aggregate classification (germline): Uncertain significance (1 of 4 stars; one submission).

Conditions:
Familial melanoma. Also called: Hereditary melanoma; Hereditary cutaneous melanoma. Identifiers: Orphanet 618, MedGen C1512419, MONDO:0018961.

Allele frequency attached by ClinVar (database versions not stated): ExAC 0.00001.

Submission:

Labcorp Genetics (formerly Invitae), Labcorp
Classification: Uncertain significance for Familial melanoma. Last evaluated: 2024-10-30. Review status: criteria provided, single submitter. Criteria: Invitae Variant Classification Sherloc (09022015). Collection method: clinical testing. Allele origin: germline.
Comment: This sequence change replaces valine, which is neutral and non-polar, with alanine, which is neutral and non-polar, at codon 20 of the CDK4 protein (p.Val20Ala). This variant is not present in population databases (gnomAD no frequency). This variant has not been reported in the literature in individuals affected with CDK4-related conditions. ClinVar contains an entry for this variant (Variation ID: 2981811). Invitae Evidence Modeling of protein sequence and biophysical properties (such as structural, functional, and spatial information, amino acid conservation, physicochemical variation, residue mobility, and thermodynamic stability) indicates that this missense variant is expected to disrupt CDK4 protein function with a positive predictive value of 95%. In summary, the available evidence is currently insufficient to determine the role of this variant in disease. Therefore, it has been classified as a Variant of Uncertain Significance.

NM_000075.4(CDK4):c.59T>C (p.Val20Ala)

Gene: CDK4 (cyclin dependent kinase 4; minus strand). Cytogenetic location: 12q14.1.
Variant type: single nucleotide variant.
Coding change: c.59T>C on transcript NM_000075.4 (MANE Select); coding-DNA position 59, T replaced by C.
Protein change: p.Val20Ala; replaces valine 20 with alanine.
Molecular consequence: missense variant.
Genome position (GRCh38, 1-based): chr12:57,751,659, A>G on the plus strand (T>C on the coding strand, the complement: CDK4 is on the minus strand). VCF-style: chr12-57751659-A-G. GRCh37 (hg19) VCF-style: chr12-58145442-A-G.
Other names: short protein forms V20A.
Identifiers: ClinVar variation 2981811 (VCV002981811.3), dbSNP rs755549181, ClinGen allele CA6657888.